The following is an entry in ClinVar:

NM_001131016.2(CIZ1):c.1709C>A (p.Pro570His)

Gene: CIZ1 (CDKN1A interacting zinc finger protein 1; minus strand). Cytogenetic location: 9q34.11.
Variant type: single nucleotide variant.
Coding change: c.1709C>A on transcript NM_001131016.2 (MANE Select); coding-DNA position 1709, C replaced by A.
Protein change: p.Pro570His; replaces proline 570 with histidine.
Molecular consequence: missense variant.
Genome position (GRCh38, 1-based): chr9:128,177,675, G>T on the plus strand (C>A on the coding strand, the complement: CIZ1 is on the minus strand). VCF-style: chr9-128177675-G-T. GRCh37 (hg19) VCF-style: chr9-130939954-G-T.
Other names: c.1541C>A, p.Pro514His (NM_001131015.2); c.1526C>A, p.Pro509His (NM_001131017.2); c.1469C>A, p.Pro490His (NM_001131018.2); c.1799C>A, p.Pro600His (NM_001257975.2); c.1406C>A, p.Pro469His (NM_001257976.2); c.1709C>A, p.Pro570His (NM_012127.3); short protein forms P514H, P600H, P509H, P490H, P570H, P469H.
Identifiers: ClinVar variation 3644727 (VCV003644727.2).

ClinVar aggregate classification (germline): Uncertain significance (1 of 4 stars; one submission).

Conditions:
Dystonic disorder. Also called: Dystonia. Identifiers: MedGen C0013421, MONDO:0003441, HP:0001332.

Submission:

Labcorp Genetics (formerly Invitae), Labcorp
Classification: Uncertain significance for Dystonic disorder. Last evaluated: 2024-03-06. Review status: criteria provided, single submitter. Criteria: Invitae Variant Classification Sherloc (09022015). Collection method: clinical testing. Allele origin: germline.
Comment: This sequence change replaces proline, which is neutral and non-polar, with histidine, which is basic and polar, at codon 570 of the CIZ1 protein (p.Pro570His). This variant is not present in population databases (gnomAD no frequency). This variant has not been reported in the literature in individuals affected with CIZ1-related conditions. An algorithm developed to predict the effect of missense changes on protein structure and function (PolyPhen-2) suggests that this variant is likely to be tolerated. In summary, the available evidence is currently insufficient to determine the role of this variant in disease. Therefore, it has been classified as a Variant of Uncertain Significance.